The following is an entry in ClinVar:

ClinVar aggregate classification (germline): Conflicting classifications of pathogenicity. Review status: criteria provided, conflicting classifications (1 of 4 stars). 3 submissions from 3 submitters: Uncertain significance (2); Likely benign (1). Last evaluated 2025-06-17.

Allele frequency attached by ClinVar (database versions not stated): ESP Exome Variant Server 0.00008; ExAC 0.00009.
gnomAD v4.1: 147 of 1,605,794 alleles (0.0092%); highest among the groups gnomAD compares: Non-Finnish European, 0.011%; no homozygotes.

Submissions (3):

Ambry Genetics
Classification: Uncertain significance. Last evaluated: 2025-06-17. Review status: criteria provided, single submitter. Criteria: Ambry Variant Classification Scheme 2023. Collection method: clinical testing. Allele origin: germline.

Women's Health and Genetics/Laboratory Corporation of America, LabCorp
Classification: Uncertain significance. Last evaluated: 2025-03-17. Review status: criteria provided, single submitter. Criteria: LabCorp Variant Classification Summary - May 2015. Collection method: clinical testing. Allele origin: germline.
Comment: Variant summary: ABCA2 c.4631G>A (p.Arg1544His) results in a non-conservative amino acid change in the encoded protein sequence. Four of five in-silico tools predict a benign effect of the variant on protein function. The variant allele was found at a frequency of 9.2e-05 in 1598818 control chromosomes, predominantly at a frequency of 0.00011 within the Non-Finnish European subpopulation in the gnomAD database. This frequency is not higher than the maximum estimated for a pathogenic variant in ABCA2 causing Intellectual Developmental Disorder With Poor Growth And With Or Without Seizures Or Ataxia, allowing no conclusion about variant significance. To our knowledge, no occurrence of c.4631G>A in individuals affected with Intellectual Developmental Disorder With Poor Growth And With Or Without Seizures Or Ataxia and no experimental evidence demonstrating its impact on protein function have been reported. ClinVar contains an entry for this variant (Variation ID: 2659775). Based on the evidence outlined above, the variant was classified as uncertain significance.

CeGaT Center for Human Genetics Tuebingen
Classification: Likely benign. Last evaluated: 2023-07-01. Review status: criteria provided, single submitter. Criteria: CeGaT Center For Human Genetics Tuebingen Variant Classification Criteria Version 2. Collection method: clinical testing. Allele origin: germline. Affected: yes. Observed: 1 variant allele.
Comment: ABCA2: BP4

NM_001606.5(ABCA2):c.4541G>A (p.Arg1514His)

Gene: ABCA2 (ATP binding cassette subfamily A member 2; minus strand). Cytogenetic location: 9q34.3.
Variant type: single nucleotide variant.
Coding change: c.4541G>A on transcript NM_001606.5 (MANE Select); coding-DNA position 4541, G replaced by A.
Protein change: p.Arg1514His; replaces arginine 1514 with histidine.
Molecular consequence: missense variant.
Genome position (GRCh38, 1-based): chr9:137,013,470, C>T on the plus strand (G>A on the coding strand, the complement: ABCA2 is on the minus strand). VCF-style: chr9-137013470-C-T. GRCh37 (hg19) VCF-style: chr9-139907922-C-T.
Other names: c.4631G>A (NM_212533.2); c.4538G>A, p.Arg1513His (NM_001411042.1); c.4631G>A, p.Arg1544His (NM_212533.3); short protein forms R1513H, R1514H, R1544H.
Identifiers: ClinVar variation 2659775 (VCV002659775.26), dbSNP rs371050470, ClinGen allele CA5354353.